The following is an entry in ClinVar:

ClinVar aggregate classification (germline): Pathogenic (1 of 4 stars; one submission).

Conditions:
IPO8-related aortopathy.

Submission:

Centre of Medical Genetics, University of Antwerp
Classification: Pathogenic for IPO8-related aortopathy. Last evaluated: 2021-03-18. Review status: criteria provided, single submitter. Criteria: ACMG Guidelines, 2015. Collection method: research. Allele origin: germline. Affected: yes.
Comment: PVS1, PM2, PM3

Literature cited by the submitters: PubMed 34010605.

NM_006390.4(IPO8):c.2347_2369del (p.Leu783fs)

Gene: IPO8 (importin 8; minus strand). Cytogenetic location: 12p11.21.
Variant type: Deletion.
Coding change: c.2347_2369del on transcript NM_006390.4 (MANE Select); coding-DNA positions 2347 to 2369, 23 bases deleted (CTTCAGGTTGCAATTGCTGCCTT).
Protein change: p.Leu783fs; shifts the reading frame from leucine 783.
Molecular consequence: frameshift variant.
Genome position (GRCh38, 1-based): chr12:30,639,635-30,639,657, AAGGCAGCAATTGCAACCTGAAG deleted on the plus strand (CTTCAGGTTGCAATTGCTGCCTT on the coding strand, the reverse complement: IPO8 is on the minus strand); deleting any 23 consecutive bases within chr12:30,639,635-30,639,658 gives the same sequence; the c. name uses the placement nearest the transcript's 3' end. VCF-style (leftmost placement, unchanged base first): chr12-30639634-CAAGGCAGCAATTGCAACCTGAAG-C. GRCh37 (hg19) VCF-style: chr12-30792568-CAAGGCAGCAATTGCAACCTGAAG-C.
Other names: c.1732_1754del, p.Leu578fs (NM_001190995.2); short protein forms L578fs, L783fs.
Identifiers: ClinVar variation 1047914 (VCV001047914.2), dbSNP rs2136127817, ClinGen allele CA2499221608.
Genomic context (GRCh38, chr12:30,639,634, plus strand): 5'-AGGGTTGTGAGGCAACTGAATTCGTTCTAAAGTATGTAGCAGCAAATCAGGGTTGTAGTA[CAAGGCAGCAATTGCAACCTGAAG>C]ACACATAGTACGAAGCTCACTAGTTTTGACCCCTCGAGTTAATCTCTCCAAAACAAGTTG-3'